The following is an entry in ClinVar:

NC_000002.11:g.(?_3391395)_(3624240_?)dup

Genes: ADI1 (acireductone dioxygenase 1; minus strand), RNASEH1 (ribonuclease H1; minus strand), RPS7 (ribosomal protein S7; plus strand), TRAPPC12 (trafficking protein particle complex subunit 12; plus strand). Cytogenetic location: 2p25.3.
Variant type: Duplication.
Identifiers: ClinVar variation 2423465 (VCV002423465.5).

ClinVar aggregate classification (germline): Uncertain significance (1 of 4 stars; one submission).

Conditions:
Diamond-Blackfan anemia 8 (DBA8). Also called: RPS7-Related Diamond-Blackfan Anemia. Identifiers: Orphanet 124, MedGen C2675511, MONDO:0012939, OMIM 612563.

Submission:

Labcorp Genetics (formerly Invitae), Labcorp
Classification: Uncertain significance for Diamond-Blackfan anemia 8. Last evaluated: 2022-06-23. Review status: criteria provided, single submitter. Criteria: Invitae Variant Classification Sherloc (09022015). Collection method: clinical testing. Allele origin: germline.
Comment: In summary, the available evidence is currently insufficient to determine the role of this variant in disease. Therefore, it has been classified as a Variant of Uncertain Significance. Experimental studies and prediction algorithms are not available or were not evaluated, and the functional significance of this variant is currently unknown. This variant has not been reported in the literature in individuals affected with RPS7-related conditions. This variant results in a copy number gain of the genomic region encompassing exon(s) 1-4 of the RPS7 gene. This region includes the initiator codon of the gene. This copy number gain extends beyond the assayed region for this gene and therefore may encompass additional genes. As the precise location of this event is unknown, it may be in tandem or it may be located elsewhere in the genome.